The following is an entry in ClinVar:

NM_014140.4(SMARCAL1):c.409C>T (p.Gln137Ter)

Gene: SMARCAL1 (SNF2 related chromatin remodeling annealing helicase 1; plus strand). Cytogenetic location: 2q35.
Variant type: single nucleotide variant.
Coding change: c.409C>T on transcript NM_014140.4 (MANE Select); coding-DNA position 409, C replaced by T.
Protein change: p.Gln137Ter; replaces glutamine 137 with a stop codon.
Molecular consequence: nonsense.
Genome position (GRCh38, 1-based): chr2:216,415,113, C>T. VCF-style: chr2-216415113-C-T. GRCh37 (hg19) VCF-style: chr2-217279836-C-T.
Other names: c.409C>T, p.Gln137Ter (NM_001127207.2); short protein forms Q137*.
Identifiers: ClinVar variation 1074524 (VCV001074524.7), dbSNP rs1271242899, ClinGen allele CA350497238.

ClinVar aggregate classification (germline): Pathogenic (1 of 4 stars; one submission).

Conditions:
Schimke immuno-osseous dysplasia (SIOD). Also called: Schimke Immunoosseous Dysplasia. Identifiers: Orphanet 1830, MedGen C0877024, MONDO:0009458, OMIM 242900.

Allele frequency attached by ClinVar (database versions not stated): gnomAD exomes below 0.00001; TOPMed below 0.00001; gnomAD 0.00001.
gnomAD v4.1: 2 of 1,613,726 alleles (0.00012%); highest among the groups gnomAD compares: Non-Finnish European, 0.00017%; no homozygotes.

Submission:

Labcorp Genetics (formerly Invitae), Labcorp
Classification: Pathogenic for Schimke immuno-osseous dysplasia. Last evaluated: 2022-01-12. Review status: criteria provided, single submitter. Criteria: Invitae Variant Classification Sherloc (09022015). Collection method: clinical testing. Allele origin: germline.
Comment: For these reasons, this variant has been classified as Pathogenic. ClinVar contains an entry for this variant (Variation ID: 1074524). This variant has not been reported in the literature in individuals affected with SMARCAL1-related conditions. This variant is not present in population databases (gnomAD no frequency). This sequence change creates a premature translational stop signal (p.Gln137*) in the SMARCAL1 gene. It is expected to result in an absent or disrupted protein product. Loss-of-function variants in SMARCAL1 are known to be pathogenic (PMID: 11799392, 20301550).

Literature cited by the submitters: PubMed 11799392; PubMed 20301550.